The following is an entry in ClinVar:

ClinVar aggregate classification (germline): Pathogenic. Review status: criteria provided, multiple submitters, no conflicts (2 of 4 stars). 3 submissions from 3 submitters: Pathogenic (3). Last evaluated 2024-05-07.

Conditions:
Osteogenesis imperfecta type 13. Also called: OI, TYPE XIII; Osteogenesis imperfecta, type xiii. Identifiers: Orphanet 666, MedGen C3553887, MONDO:0013924, OMIM 614856.
Osteogenesis imperfecta (OI). Identifiers: Orphanet 666, MedGen C0029434, MeSH D010013, MONDO:0019019.

Submissions (3):

Fulgent Genetics
Classification: Pathogenic for Osteogenesis imperfecta type 13. Last evaluated: 2024-05-07. Review status: criteria provided, single submitter. Criteria: ACMG Guidelines, 2015. Collection method: clinical testing. Allele origin: germline.

Women's Health and Genetics/Laboratory Corporation of America, LabCorp
Classification: Pathogenic for Osteogenesis imperfecta. Last evaluated: 2024-05-03. Review status: criteria provided, single submitter. Criteria: LabCorp Variant Classification Summary - May 2015. Collection method: clinical testing. Allele origin: germline.
Comment: Variant summary: BMP1 c.2108-605dupC is located at a position not widely known to affect splicing. Consensus agreement among computation tools predict no significant impact on normal splicing. However, these predictions have yet to be confirmed by functional studies. This variant is also reported as c.2188dupC on an alternate transcript, NM_001199.4. The variant allele was found at a frequency of 1.6e-05 in 248030 control chromosomes. c.2108-605dupC has been reported in the literature in multiple individuals affected with Osteogenesis Imperfecta (examples: Syx_2015, Pollitt_2016). These data indicate that the variant is very likely to be associated with disease. The following publications have been ascertained in the context of this evaluation (PMID: 27576954, 25656619). ClinVar contains an entry for this variant (Variation ID: 2735141). Based on the evidence outlined above, the variant was classified as pathogenic.

Labcorp Genetics (formerly Invitae), Labcorp
Classification: Pathogenic. Last evaluated: 2023-11-17. Review status: criteria provided, single submitter. Criteria: Invitae Variant Classification Sherloc (09022015). Collection method: clinical testing. Allele origin: germline.
Comment: The BMP1 gene has multiple clinically relevant transcripts. This variant occurs in alternate transcript NM_001199.3, and corresponds to NM_006129.4:c.2108-605dup in the primary transcript. This sequence change results in a frameshift in the BMP1 gene (p.Gln730Profs*?). While this is not anticipated to result in nonsense mediated decay, it is expected to disrupt the last 1 amino acid(s) of the BMP1 protein and extend the protein by an uncertain number of additional amino acid residues. This variant is present in population databases (rs759100606, gnomAD 0.007%). This frameshift has been observed in individuals with osteogenesis imperfecta (PMID: 25656619, 27576954). It has also been observed to segregate with disease in related individuals. Algorithms developed to predict the effect of sequence changes on RNA splicing suggest that this variant is not likely to affect RNA splicing. For these reasons, this variant has been classified as Pathogenic.

Literature cited by the submitters: PubMed 27576954 (cited by Women's Health and Genetics/Laboratory Corporation of America, LabCorp and Labcorp Genetics (formerly Invitae), Labcorp); PubMed 25656619 (cited by Women's Health and Genetics/Laboratory Corporation of America, LabCorp and Labcorp Genetics (formerly Invitae), Labcorp).

NM_001199.4(BMP1):c.2188dup (p.Gln730fs)

Gene: BMP1 (bone morphogenetic protein 1; plus strand). Cytogenetic location: 8p21.3.
Variant type: Duplication.
Coding change: c.2188dup on transcript NM_001199.4 (MANE Plus Clinical); coding-DNA position 2188, one base duplicated (C; older notation c.2188dupC).
Protein change: p.Gln730fs; shifts the reading frame from glutamine 730.
Molecular consequence: frameshift variant. On other transcripts: non-coding transcript variant (1), intron variant (1).
Genome position (GRCh38, 1-based): chr8:22,201,198, C duplicated; the last of 6 consecutive C bases (chr8:22,201,193-22,201,198); duplicating any one gives the same sequence. VCF-style (leftmost placement, unchanged base first): chr8-22201192-A-AC. GRCh37 (hg19) VCF-style: chr8-22058705-A-AC.
Other names: c.2108-605dupC (NM_006129.5); c.2108-605dup (NM_006129.5); short protein forms Q730fs.
Identifiers: ClinVar variation 2735141 (VCV002735141.5), dbSNP rs759100606, ClinGen allele CA4665092.